The following is an entry in ClinVar:

ClinVar aggregate classification (germline): Uncertain significance. Review status: criteria provided, multiple submitters, no conflicts (2 of 4 stars). 3 submissions from 3 submitters: Uncertain significance (2). 1 of the submissions does not count toward it. Last evaluated 2025-07-08.

Conditions:
Cardiomyopathy (CMYO). Also called: Cardiomyopathies. Identifiers: Orphanet 167848, MedGen C0878544, MONDO:0004994, HP:0001638. Inheritance: Various modes of inheritance.
Dystrophin deficiency.
Duchenne muscular dystrophy (DMD). Also called: MUSCULAR DYSTROPHY, PSEUDOHYPERTROPHIC PROGRESSIVE, DUCHENNE TYPE; Duchenne Muscular Dystrophy (DMD). Identifiers: Orphanet 98896, MedGen C0013264, MONDO:0010679, OMIM 310200.
Becker muscular dystrophy (BMD). Also called: Becker Muscular Dystrophy (BMD); MUSCULAR DYSTROPHY, PSEUDOHYPERTROPHIC PROGRESSIVE, BECKER TYPE. Identifiers: Orphanet 98895, MedGen C0917713, MONDO:0010311, OMIM 300376.
Cardiovascular phenotype. Identifiers: MedGen CN230736.

Allele frequency attached by ClinVar (database versions not stated): gnomAD exomes below 0.00001; TOPMed 0.00001; gnomAD 0.00002 and 0.00003.
gnomAD v4.1: 5 of 1,207,580 alleles (0.00041%); highest among the groups gnomAD compares: South Asian, 0.0018%; no homozygotes.

Submissions (3):

Labcorp Genetics (formerly Invitae), Labcorp
Classification: Uncertain significance for Duchenne muscular dystrophy. Last evaluated: 2025-07-08. Review status: criteria provided, single submitter. Criteria: Invitae Variant Classification Sherloc (09022015). Collection method: clinical testing. Allele origin: germline.
Comment: This sequence change replaces arginine, which is basic and polar, with histidine, which is basic and polar, at codon 2108 of the DMD protein (p.Arg2108His). This variant is not present in population databases (gnomAD no frequency). This missense change has been observed in individual(s) with clinical features of DMD-related conditions (PMID: 21520333). ClinVar contains an entry for this variant (Variation ID: 1051751). Invitae Evidence Modeling of protein sequence and biophysical properties (such as structural, functional, and spatial information, amino acid conservation, physicochemical variation, residue mobility, and thermodynamic stability) indicates that this missense variant is not expected to disrupt DMD protein function with a negative predictive value of 95%. In summary, the available evidence is currently insufficient to determine the role of this variant in disease. Therefore, it has been classified as a Variant of Uncertain Significance.

Ambry Genetics
Classification: Uncertain significance for Cardiovascular phenotype. Last evaluated: 2023-08-29. Review status: criteria provided, single submitter. Criteria: Ambry Variant Classification Scheme 2023. Collection method: clinical testing. Allele origin: germline.
Comment: The p.R2108H variant (also known as c.6323G>A), located in coding exon 44 of the DMD gene, results from a G to A substitution at nucleotide position 6323. The arginine at codon 2108 is replaced by histidine, an amino acid with highly similar properties. This amino acid position is not well conserved in available vertebrate species. In addition, this alteration is predicted to be tolerated by in silico analysis. Since supporting evidence is limited at this time, the clinical significance of this alteration remains unclear.

Natera, Inc.
Classification: Uncertain significance for Becker muscular dystrophy; Cardiomyopathy; Duchenne muscular dystrophy; Dystrophin deficiency. Last evaluated: 2020-05-11. Review status: no assertion criteria provided. Collection method: clinical testing. Allele origin: germline. Not counted in ClinVar's aggregate classification.

Literature cited by the submitters: PubMed 21520333 (cited by Labcorp Genetics (formerly Invitae), Labcorp).

NM_004006.3(DMD):c.6323G>A (p.Arg2108His)

Gene: DMD (dystrophin; minus strand). Cytogenetic location: Xp21.1.
Variant type: single nucleotide variant.
Coding change: c.6323G>A on transcript NM_004006.3 (MANE Select); coding-DNA position 6323, G replaced by A.
Protein change: p.Arg2108His; replaces arginine 2108 with histidine.
Molecular consequence: missense variant.
Genome position (GRCh38, 1-based): chrX:32,217,031, C>T on the plus strand (G>A on the coding strand, the complement: DMD is on the minus strand). VCF-style: chrX-32217031-C-T. GRCh37 (hg19) VCF-style: chrX-32235148-C-T.
Other names: c.6299G>A, p.Arg2100His (NM_000109.4); c.6311G>A, p.Arg2104His (NM_004009.3); c.5954G>A, p.Arg1985His (NM_004010.3); c.2300G>A, p.Arg767His (NM_004011.4); c.2291G>A, p.Arg764His (NM_004012.4); c.6323G>A (NM_004006.2); short protein forms R1985H, R2100H, R2104H, R2108H, R764H, R767H.
Identifiers: ClinVar variation 1051751 (VCV001051751.12), dbSNP rs1291065884, ClinGen allele CA412660735.